The following is an entry in ClinVar:

NM_020911.2(PLXNA4):c.2892G>A (p.Gly964=)

Gene: PLXNA4 (plexin A4; minus strand). Cytogenetic location: 7q32.3.
Variant type: single nucleotide variant.
Coding change: c.2892G>A on transcript NM_020911.2 (MANE Select); coding-DNA position 2892, G replaced by A.
Protein change: p.Gly964=; no amino-acid change (glycine 964 retained).
Molecular consequence: synonymous variant.
Genome position (GRCh38, 1-based): chr7:132,187,572, C>T on the plus strand (G>A on the coding strand, the complement: PLXNA4 is on the minus strand). VCF-style: chr7-132187572-C-T. GRCh37 (hg19) VCF-style: chr7-131872331-C-T.
Other names: c.2892G>A, p.Gly964= (NM_001393897.1).
Identifiers: ClinVar variation 3347092 (VCV003347092.1).

ClinVar aggregate classification (germline): Likely benign (0 of 4 stars; one submission).

Conditions:
PLXNA4-related disorder. Also called: PLXNA4-related condition.

gnomAD v4.1: 16 of 1,613,398 alleles (0.00099%); highest among the groups gnomAD compares: Non-Finnish European, 0.0014%; no homozygotes.

Submission:

PreventionGenetics, part of Exact Sciences
Classification: Likely benign for PLXNA4-related condition. Last evaluated: 2024-05-10. Review status: no assertion criteria provided. Collection method: clinical testing. Allele origin: germline.
Comment: This variant is classified as likely benign based on ACMG/AMP sequence variant interpretation guidelines (Richards et al. 2015 PMID: 25741868, with internal and published modifications).